The following is an entry in ClinVar:

ClinVar aggregate classification (germline): Uncertain significance. Review status: criteria provided, multiple submitters, no conflicts (2 of 4 stars). 2 submissions from 2 submitters: Uncertain significance (2). Last evaluated 2025-01-28.

Conditions:
Cardiomyopathy (CMYO). Also called: Cardiomyopathies. Identifiers: Orphanet 167848, MedGen C0878544, MONDO:0004994, HP:0001638. Inheritance: Various modes of inheritance.

gnomAD v4.1: 3 of 1,609,952 alleles (0.00019%); highest among the groups gnomAD compares: Non-Finnish European, 0.00025%; no homozygotes.

Submissions (2):

Color Diagnostics, LLC DBA Color Health
Classification: Uncertain significance for Cardiomyopathy. Last evaluated: 2025-01-28. Review status: criteria provided, single submitter. Criteria: ACMG Guidelines, 2015. Collection method: clinical testing. Allele origin: germline.
Comment: This missense variant replaces arginine with leucine at codon 41 of the MYBPC3 protein. Computational prediction suggests that this variant may not impact protein structure and function (internally defined REVEL score threshold <= 0.5, PMID: 27666373). To our knowledge, functional studies have not been reported for this variant. This variant has not been reported in individuals affected with MYBPC3-related disorders in the literature. This variant has not been identified in the general population by the Genome Aggregation Database (gnomAD). The available evidence is insufficient to determine the role of this variant in disease conclusively. Therefore, this variant is classified as a Variant of Uncertain Significance.

CHEO Genetics Diagnostic Laboratory, Children's Hospital of Eastern Ontario
Classification: Uncertain significance for Cardiomyopathy. Last evaluated: 2021-10-08. Review status: criteria provided, single submitter. Criteria: ACMG Guidelines, 2015. Collection method: clinical testing. Allele origin: germline.

NM_000256.3(MYBPC3):c.122G>T (p.Arg41Leu)

Gene: MYBPC3 (myosin binding protein C3; minus strand). Cytogenetic location: 11p11.2.
Variant type: single nucleotide variant.
Coding change: c.122G>T on transcript NM_000256.3 (MANE Select); coding-DNA position 122, G replaced by T.
Protein change: p.Arg41Leu; replaces arginine 41 with leucine.
Molecular consequence: missense variant.
Genome position (GRCh38, 1-based): chr11:47,351,409, C>A on the plus strand (G>T on the coding strand, the complement: MYBPC3 is on the minus strand). VCF-style: chr11-47351409-C-A. GRCh37 (hg19) VCF-style: chr11-47372960-C-A.
Other names: short protein forms R41L.
Identifiers: ClinVar variation 2442975 (VCV002442975.3), dbSNP rs764849803, ClinGen allele CA380341886.